The following is an entry in ClinVar:

ClinVar aggregate classification (germline): Uncertain significance. Review status: criteria provided, multiple submitters, no conflicts (2 of 4 stars). 3 submissions from 3 submitters: Uncertain significance (3). Last evaluated 2026-08-11.

Conditions:
Classic or attenuated familial adenomatous polyposis. Identifiers: MedGen CN372698, MONDO:0021057.
Hereditary cancer-predisposing syndrome. Also called: Hereditary Cancer Syndrome; Neoplastic Syndromes, Hereditary; Hereditary neoplastic syndrome; Tumor predisposition. Identifiers: Orphanet 140162, MedGen C0027672, MeSH D009386, MONDO:0015356.
Familial adenomatous polyposis 1 (FAP1). Also called: FAMILIAL ADENOMATOUS POLYPOSIS 1, ATTENUATED; POLYPOSIS, ADENOMATOUS INTESTINAL. Identifiers: MedGen C2713442, MONDO:0021056, OMIM 175100. Disease mechanism: loss of function.

Submissions (3):

Ambry Genetics
Classification: Uncertain significance for Hereditary cancer-predisposing syndrome. Last evaluated: 2026-08-11. Review status: criteria provided, single submitter. Criteria: Ambry Variant Classification Scheme 2023. Collection method: clinical testing. Allele origin: germline.
Comment: The p.R2272T variant (also known as c.6815G>C), located in coding exon 15 of the APC gene, results from a G to C substitution at nucleotide position 6815. The arginine at codon 2272 is replaced by threonine, an amino acid with similar properties. This amino acid position is highly conserved in available vertebrate species. In addition, in silico predictors for this gene do not accurately predict pathogenicity. Missense variants in APC are not a common cause of disease (Spier I et al. Genet Med. 2024 Feb;26(2):100992). Based on the available evidence, the clinical significance of this variant remains unclear.

All of Us Research Program, National Institutes of Health
Classification: Uncertain significance for Classic or attenuated familial adenomatous polyposis. Last evaluated: 2023-12-18. Review status: criteria provided, single submitter. Criteria: ACMG Guidelines, 2015. Collection method: clinical testing. Allele origin: germline. Inheritance: Autosomal dominant inheritance. Observed: 1 variant allele, 1 heterozygote.
Comment: This missense variant replaces arginine with threonine at codon 2272 of the APC protein. Computational prediction is inconclusive regarding the impact of this variant on protein structure and function (internally defined REVEL score threshold 0.5 < inconclusive < 0.7, PMID: 27666373). To our knowledge, functional studies have not been reported for this variant. This variant has not been reported in individuals affected with APC-related disorders in the literature. This variant has not been identified in the general population by the Genome Aggregation Database (gnomAD). The available evidence is insufficient to determine the role of this variant in disease conclusively. Therefore, this variant is classified as a Variant of Uncertain Significance.

This study involves interpretation of variants in research participants for the purpose of population health screening. Participant phenotype was not available at the time of variant classification. Additional details can be found in publication PMID: 35346344, PMCID: PMC8962531

Labcorp Genetics (formerly Invitae), Labcorp
Classification: Uncertain significance for Familial adenomatous polyposis 1. Last evaluated: 2022-12-07. Review status: criteria provided, single submitter. Criteria: Invitae Variant Classification Sherloc (09022015). Collection method: clinical testing. Allele origin: germline.
Comment: In summary, the available evidence is currently insufficient to determine the role of this variant in disease. Therefore, it has been classified as a Variant of Uncertain Significance. Advanced modeling of protein sequence and biophysical properties (such as structural, functional, and spatial information, amino acid conservation, physicochemical variation, residue mobility, and thermodynamic stability) performed at Invitae indicates that this missense variant is not expected to disrupt APC protein function. This sequence change replaces arginine, which is basic and polar, with threonine, which is neutral and polar, at codon 2272 of the APC protein (p.Arg2272Thr). This variant is not present in population databases (gnomAD no frequency). This variant has not been reported in the literature in individuals affected with APC-related conditions. ClinVar contains an entry for this variant (Variation ID: 1397582).

NM_000038.6(APC):c.6815G>C (p.Arg2272Thr)

Gene: APC (APC regulator of Wnt signaling pathway; plus strand). Cytogenetic location: 5q22.2.
Variant type: single nucleotide variant.
Coding change: c.6815G>C on transcript NM_000038.6 (MANE Select); coding-DNA position 6815, G replaced by C.
Protein change: p.Arg2272Thr; replaces arginine 2272 with threonine.
Molecular consequence: missense variant.
Genome position (GRCh38, 1-based): chr5:112,842,409, G>C. VCF-style: chr5-112842409-G-C. GRCh37 (hg19) VCF-style: chr5-112178106-G-C.
Other names: c.6815G>C, p.Arg2272Thr (NM_001127510.3, NM_001354895.2); c.6761G>C, p.Arg2254Thr (NM_001127511.3); c.6869G>C, p.Arg2290Thr (NM_001354896.2); c.6845G>C, p.Arg2282Thr (NM_001354897.2); c.6740G>C, p.Arg2247Thr (NM_001354898.2); c.6731G>C, p.Arg2244Thr (NM_001354899.2); c.6692G>C, p.Arg2231Thr (NM_001354900.2); c.6638G>C, p.Arg2213Thr (NM_001354901.2); and 6 more; short protein forms R2171T, R2244T, R2146T, R2247T, R2254T, R2290T, R1989T, R2112T.
Identifiers: ClinVar variation 1397582 (VCV001397582.10), dbSNP rs2149973894, ClinGen allele CA16036211.